The following is an entry in ClinVar:

ClinVar aggregate classification (germline): Conflicting classifications of pathogenicity. Review status: criteria provided, conflicting classifications (1 of 4 stars). 4 submissions from 4 submitters: Uncertain significance (1); Likely benign (3). Last evaluated 2025-12-23.

Conditions:
Meckel-Gruber syndrome. Also called: Dysencephalia splachnocystica; DYSENCEPHALIA SPLANCHNOCYSTICA; GRUBER SYNDROME. Identifiers: Orphanet 564, MedGen C0265215, MONDO:0018921.
Joubert syndrome. Also called: Familial aplasia of the vermis; JOUBERT-BOLTSHAUSER SYNDROME. Identifiers: Orphanet 475, MedGen C5979921, MONDO:0018772.
CC2D2A-related disorder. Also called: CC2D2A-related disorders; CC2D2A-related condition. Identifiers: MedGen CN239313.

Allele frequency attached by ClinVar (database versions not stated): gnomAD exomes 0.00001 and 0.00005; gnomAD 0.00006 and 0.00007; TOPMed 0.00006; ESP Exome Variant Server 0.00008; ExAC 0.00013.
gnomAD v4.1: 37 of 1,598,698 alleles (0.0023%); highest among the groups gnomAD compares: Admixed American, 0.017%; no homozygotes.

Submissions (4):

Labcorp Genetics (formerly Invitae), Labcorp
Classification: Likely benign for Joubert syndrome; Meckel-Gruber syndrome. Last evaluated: 2025-12-23. Review status: criteria provided, single submitter. Criteria: Invitae Variant Classification Sherloc (09022015). Collection method: clinical testing. Allele origin: germline.

PreventionGenetics, part of Exact Sciences
Classification: Likely benign for CC2D2A-related condition. Last evaluated: 2025-06-13. Review status: criteria provided, single submitter. Criteria: ACMG Guidelines, 2015. Collection method: clinical testing. Allele origin: germline.
Comment: This variant is classified as likely benign based on ACMG/AMP sequence variant interpretation guidelines (Richards et al. 2015 PMID: 25741868, with internal and published modifications).

Blueprint Genetics
Classification: Likely benign. Last evaluated: 2024-06-06. Review status: criteria provided, single submitter. Criteria: ACMG Guidelines, 2015. Collection method: clinical testing. Allele origin: germline.

Eurofins Ntd Llc (ga)
Classification: Uncertain significance. Last evaluated: 2018-06-29. Review status: criteria provided, single submitter. Criteria: EGL ClinVar v180209 classification definitions. Collection method: clinical testing. Allele origin: germline. Observed: 1 variant allele, 1 heterozygote.

NM_001378615.1(CC2D2A):c.2016G>A (p.Ser672=)

Genes: CC2D2A (coiled-coil and C2 domain containing 2A; plus strand), FBXL5 (F-box and leucine rich repeat protein 5; minus strand). Cytogenetic location: 4p15.32.
Variant type: single nucleotide variant.
Coding change: c.2016G>A on transcript NM_001378615.1 (MANE Select); coding-DNA position 2016, G replaced by A.
Protein change: p.Ser672=; no amino-acid change (serine 672 retained).
Molecular consequence: synonymous variant.
Genome position (GRCh38, 1-based): chr4:15,540,849, G>A. VCF-style: chr4-15540849-G-A. GRCh37 (hg19) VCF-style: chr4-15542472-G-A.
Other names: c.2016G>A, p.Ser672= (NM_001080522.2); c.1869G>A, p.Ser623= (NM_001378617.1).
Identifiers: ClinVar variation 597871 (VCV000597871.16), dbSNP rs369398469, ClinGen allele CA2863826.